The following is an entry in ClinVar:

ClinVar aggregate classification (germline): Likely pathogenic (0 of 4 stars; one submission).

Conditions:
Non-small cell lung carcinoma (NSCLC). Also called: Non-small cell lung cancer. Identifiers: MedGen C0007131, MeSH D002289, MONDO:0005233, HP:0030358. Disease mechanism: Other.

Allele frequency attached by ClinVar (database versions not stated): gnomAD exomes below 0.00001.
gnomAD v4.1: 1 of 1,609,142 alleles (0.000062%); highest among the groups gnomAD compares: Non-Finnish European, 0.000085%; no homozygotes.

Submission:

Laboratory for Molecular Medicine, Mass General Brigham Personalized Medicine
Classification: Likely pathogenic for Non-small cell lung carcinoma. Last evaluated: 2014-08-28. Review status: no assertion criteria provided. Collection method: clinical testing. Allele origin: somatic. Observed: 1 variant allele.
Comment: proposed classification - variant undergoing re-assessment, contact laboratory

NM_004985.5(KRAS):c.290G>A (p.Arg97Lys)

Gene: KRAS (KRAS proto-oncogene, GTPase; minus strand). Cytogenetic location: 12p12.1.
Variant type: single nucleotide variant.
Coding change: c.290G>A on transcript NM_004985.5 (MANE Select); coding-DNA position 290, G replaced by A.
Protein change: p.Arg97Lys; replaces arginine 97 with lysine.
Molecular consequence: missense variant.
Genome position (GRCh38, 1-based): chr12:25,227,234, C>T on the plus strand (G>A on the coding strand, the complement: KRAS is on the minus strand). VCF-style: chr12-25227234-C-T. GRCh37 (hg19) VCF-style: chr12-25380168-C-T.
Other names: c.290G>A, p.Arg97Lys (NM_001369786.1, NM_001369787.1, NM_033360.4); short protein forms R97K.
Identifiers: ClinVar variation 163761 (VCV000163761.4), dbSNP rs727503106, ClinGen allele CA176487.
Genomic context (GRCh38, chr12:25,227,234, plus strand): 5'-AAAAAATAAAAACTATAATTACTCCTTAATGTCAGCTTATTATATTCAATTTAAACCCAC[C>T]TATAATGGTGAATATCTTCAAATGATTTAGTATTATTTATGGCAAATACACAAAGAAAGC-3'
Protein context (NP_004976.2, residues 87-107): TKSFEDIHHY[Arg97Lys]EQIKRVKDSE